The following is an entry in ClinVar:

NM_000202.8(IDS):c.1636C>T (p.Gln546Ter)

Gene: IDS (iduronate 2-sulfatase; minus strand). Cytogenetic location: Xq28.
Variant type: single nucleotide variant.
Coding change: c.1636C>T on transcript NM_000202.8 (MANE Select); coding-DNA position 1636, C replaced by T.
Protein change: p.Gln546Ter; replaces glutamine 546 with a stop codon.
Molecular consequence: nonsense.
Genome position (GRCh38, 1-based): chrX:149,482,763, G>A on the plus strand (C>T on the coding strand, the complement: IDS is on the minus strand). VCF-style: chrX-149482763-G-A. GRCh37 (hg19) VCF-style: chrX-148564294-G-A.
Other names: c.1366C>T, p.Gln456Ter (NM_001166550.4); short protein forms Q456*, Q546*.
Identifiers: ClinVar variation 5003451 (VCV005003451.1).

ClinVar aggregate classification (germline): Uncertain significance (1 of 4 stars; one submission).

Conditions:
Mucopolysaccharidosis, MPS-II (MPS2). Also called: IDS deficiency; Sulfoiduronate sulfatase deficiency; SIDS deficiency; Mucopolysaccharidosis with skin involvement; Mucopolysaccharidosis type 2; Attenuated MPS (subtype; formerly known as mild MPS II). Identifiers: Orphanet 580, Orphanet 79388, MedGen C0026705, MONDO:0010674, OMIM 309900.

gnomAD v4.1: 1 of 1,211,006 alleles (0.000083%); no homozygotes.

Submission:

Myriad Genetics, Inc.
Classification: Uncertain significance for Mucopolysaccharidosis, MPS-II. Last evaluated: 2026-04-28. Review status: criteria provided, single submitter. Criteria: Myriad Autosomal Dominant, Autosomal Recessive and X-Linked Classification Criteria (2023). Collection method: clinical testing. Allele origin: unknown.
Comment: NM_000202.5(IDS):c.1636C>T(Q546*) is a nonsense variant classified as a variant of uncertain significance in the context of mucopolysaccharidosis type II. Q546* has not been observed in cases with relevant disease. Relevant functional assessments of this variant are not available in the literature. Q546* has not been observed in referenced population frequency databases. In summary, there is insufficient evidence to classify NM_000202.5(IDS):c.1636C>T(Q546*) as pathogenic or benign. Please note: this variant was assessed in the context of healthy population screening.